The following is an entry in ClinVar:

ClinVar aggregate classification (germline): Conflicting classifications of pathogenicity. Review status: criteria provided, conflicting classifications (1 of 4 stars). 3 submissions from 3 submitters: Uncertain significance (2); Likely benign (1). Last evaluated 2025-03-25.

Conditions:
Familial cancer of breast. Also called: BREAST CANCER, FAMILIAL; Hereditary breast cancer; hereditary breast carcinoma. Identifiers: Orphanet 227535, MedGen C0346153, MONDO:0016419, OMIM 114480. Disease mechanism: loss of function.
Hereditary cancer-predisposing syndrome. Also called: Neoplastic Syndromes, Hereditary; Tumor predisposition; Hereditary Cancer Syndrome; Hereditary neoplastic syndrome. Identifiers: Orphanet 140162, MedGen C0027672, MeSH D009386, MONDO:0015356.

Submissions (3):

Ambry Genetics
Classification: Likely benign for Hereditary cancer-predisposing syndrome. Last evaluated: 2025-03-25. Review status: criteria provided, single submitter. Criteria: Ambry Variant Classification Scheme 2023. Collection method: clinical testing. Allele origin: germline.

Color Diagnostics, LLC DBA Color Health
Classification: Uncertain significance for Hereditary cancer-predisposing syndrome. Last evaluated: 2019-09-25. Review status: criteria provided, single submitter. Criteria: ACMG Guidelines, 2015. Collection method: clinical testing. Allele origin: germline.
Comment: This missense variant replaces alanine with glutamic acid at codon 168 of the BARD1 protein. Computational prediction tool suggests that this variant may not impact protein structure and function (internally defined REVEL score threshold ≤0.5, PMID: 27666373). Splice site prediction tools suggest that this variant may not impact RNA splicing. To our knowledge, functional studies have not been performed for this variant. This variant has not been reported in individuals affected with hereditary cancer in the literature. This variant has not been identified in the general population by the Genome Aggregation Database (gnomAD). The available evidence is insufficient to determine the role of this variant in disease conclusively. Therefore, this variant is classified as a Variant of Uncertain Significance.

Labcorp Genetics (formerly Invitae), Labcorp
Classification: Uncertain significance for Familial cancer of breast. Last evaluated: 2019-05-22. Review status: criteria provided, single submitter. Criteria: Invitae Variant Classification Sherloc (09022015). Collection method: clinical testing. Allele origin: germline.
Comment: This variant has not been reported in the literature in individuals with BARD1-related conditions. Algorithms developed to predict the effect of missense changes on protein structure and function output the following: SIFT: "Tolerated"; PolyPhen-2: "Benign"; Align-GVGD: "Class C0". The glutamic acid amino acid residue is found in multiple mammalian species, suggesting that this missense change does not adversely affect protein function. These predictions have not been confirmed by published functional studies and their clinical significance is uncertain. In summary, the available evidence is currently insufficient to determine the role of this variant in disease. Therefore, it has been classified as a Variant of Uncertain Significance. This variant is not present in population databases (ExAC no frequency). This sequence change replaces alanine with glutamic acid at codon 168 of the BARD1 protein (p.Ala168Glu). The alanine residue is weakly conserved and there is a moderate physicochemical difference between alanine and glutamic acid.

NM_000465.4(BARD1):c.503C>A (p.Ala168Glu)

Gene: BARD1 (BRCA1 associated RING domain 1; minus strand). Cytogenetic location: 2q35.
Variant type: single nucleotide variant.
Coding change: c.503C>A on transcript NM_000465.4 (MANE Select); coding-DNA position 503, C replaced by A.
Protein change: p.Ala168Glu; replaces alanine 168 with glutamic acid.
Molecular consequence: missense variant. On other transcripts: non-coding transcript variant (2), intron variant (3).
Genome position (GRCh38, 1-based): chr2:214,781,371, G>T on the plus strand (C>A on the coding strand, the complement: BARD1 is on the minus strand). VCF-style: chr2-214781371-G-T. GRCh37 (hg19) VCF-style: chr2-215646095-G-T.
Other names: c.446C>A, p.Ala149Glu (NM_001282543.2); c.158+28041C>A (NM_001282548.2); c.215+15690C>A (NM_001282545.2); c.364+10926C>A (NM_001282549.2); c.503C>A (NM_000465.2); short protein forms A149E, A168E.
Identifiers: ClinVar variation 927074 (VCV000927074.15), dbSNP rs982408430, ClinGen allele CA350457512.